The following is an entry in ClinVar:

ClinVar aggregate classification (germline): Uncertain significance. Review status: criteria provided, multiple submitters, no conflicts (2 of 4 stars). 5 submissions from 5 submitters: Uncertain significance (4). 1 of the submissions does not count toward it. Last evaluated 2026-04-24.

Conditions:
Inborn genetic diseases. Identifiers: MedGen C0950123, MeSH D030342.
Pseudohypoparathyroidism type 1B (PHP1B). Also called: PHP IB; Pseudohypoparathyroidism Type IB; Pseudohypoparathyroidism Ib (PHP-Ib). Identifiers: Orphanet 94089, MedGen C1864100, MONDO:0011301, OMIM 603233.

Allele frequency attached by ClinVar (database versions not stated): gnomAD exomes 0.00002 and 0.00001; ESP Exome Variant Server 0.00008; gnomAD 0.00006; ExAC 0.00002; TOPMed 0.00005.
gnomAD v4.1: 21 of 1,611,828 alleles (0.0013%); highest among the groups gnomAD compares: African/African-American, 0.015%; no homozygotes.

Submissions (5):

GeneDx
Classification: Uncertain significance. Last evaluated: 2026-04-24. Review status: criteria provided, single submitter. Criteria: GeneDx Variant Classification Process June 2021. Collection method: clinical testing. Allele origin: germline.
Comment: In silico analysis suggests that this missense variant does not alter protein structure/function; Has not been previously published as pathogenic or benign to our knowledge

Ambry Genetics
Classification: Uncertain significance for Inborn genetic diseases. Last evaluated: 2025-08-28. Review status: criteria provided, single submitter. Criteria: Ambry Variant Classification Scheme 2023. Collection method: clinical testing. Allele origin: germline.

Labcorp Genetics (formerly Invitae), Labcorp
Classification: Uncertain significance. Last evaluated: 2024-08-19. Review status: criteria provided, single submitter. Criteria: Invitae Variant Classification Sherloc (09022015). Collection method: clinical testing. Allele origin: germline.
Comment: This sequence change replaces alanine, which is neutral and non-polar, with valine, which is neutral and non-polar, at codon 259 of the STX16 protein (p.Ala259Val). This variant is present in population databases (rs371863588, gnomAD 0.02%). This variant has not been reported in the literature in individuals affected with STX16-related conditions. ClinVar contains an entry for this variant (Variation ID: 1049725). Invitae Evidence Modeling of protein sequence and biophysical properties (such as structural, functional, and spatial information, amino acid conservation, physicochemical variation, residue mobility, and thermodynamic stability) indicates that this missense variant is not expected to disrupt STX16 protein function with a negative predictive value of 80%. In summary, the available evidence is currently insufficient to determine the role of this variant in disease. Therefore, it has been classified as a Variant of Uncertain Significance.

Fulgent Genetics
Classification: Uncertain significance for Pseudohypoparathyroidism type 1B. Last evaluated: 2024-01-10. Review status: criteria provided, single submitter. Criteria: ACMG Guidelines, 2015. Collection method: clinical testing. Allele origin: germline.

Department of Pathology and Laboratory Medicine, Sinai Health System
Classification: Uncertain significance. Review status: no assertion criteria provided. Collection method: clinical testing. Allele origin: unknown. Affected: yes. Study: The Canadian Open Genetics Repository (COGR). Not counted in ClinVar's aggregate classification.
Comment: The STX16 p.Ala242Val variant was not identified in the literature nor was it identified in ClinVar, Cosmic or LOVD 3.0. The variant was identified in dbSNP (ID: rs371863588) and in control databases in 5 of 281702 chromosomes at a frequency of 0.000018 (Genome Aggregation Database Feb 27, 2017). The variant was observed in the following populations: African in 4 of 24938 chromosomes (freq: 0.00016) and East Asian in 1 of 19930 chromosomes (freq: 0.00005), it was not observed in the Latino, Ashkenazi Jewish, European (Finnish), European (non-Finnish), Other, and South Asian populations. The p.Ala242 residue is conserved in mammals but not in more distantly related organisms however four out of five computational analyses (PolyPhen-2, SIFT, AlignGVGD, BLOSUM) do not suggest a high likelihood of impact to the protein; this information is not predictive enough to rule out pathogenicity. The variant occurs outside of the splicing consensus sequence and in silico or computational prediction software programs (SpliceSiteFinder, MaxEntScan, NNSPLICE, GeneSplicer) do not predict a difference in splicing. In summary, based on the above information the clinical significance of this variant cannot be determined with certainty at this time. This variant is classified as a variant of uncertain significance.

NM_001001433.3(STX16):c.776C>T (p.Ala259Val)

Genes: STX16 (syntaxin 16; plus strand), STX16-NPEPL1 (STX16-NPEPL1 readthrough (NMD candidate); plus strand). Cytogenetic location: 20q13.32.
Variant type: single nucleotide variant.
Coding change: c.776C>T on transcript NM_001001433.3 (MANE Select); coding-DNA position 776, C replaced by T.
Protein change: p.Ala259Val; replaces alanine 259 with valine.
Molecular consequence: missense variant. On other transcripts: non-coding transcript variant (4).
Genome position (GRCh38, 1-based): chr20:58,671,281, C>T. VCF-style: chr20-58671281-C-T. GRCh37 (hg19) VCF-style: chr20-57246337-C-T.
Other names: c.776C>T (NM_001001433.2); c.764C>T, p.Ala255Val (NM_001134772.3); c.725C>T, p.Ala242Val (NM_001134773.3); c.617C>T, p.Ala206Val (NM_001204868.2); c.713C>T, p.Ala238Val (NM_003763.6); short protein forms A206V, A238V, A242V, A255V, A259V.
Identifiers: ClinVar variation 1049725 (VCV001049725.6), dbSNP rs371863588, ClinGen allele CA9925419.
Genomic context (GRCh38, chr20:58,671,281, plus strand): 5'-AGATTCGCCAGATTGTACAGTCCATTTCTGACCTGAATGAAATATTCAGGGACTTAGGGG[C>T]GATGATTGTAGAACAGGTACGTGAGCTGGCCTTCCTCGTGAATAGGTTTTCCTGCCATAC-3'
Protein context (NP_001001433.1, residues 249-269): DLNEIFRDLG[Ala259Val]MIVEQGTVLD